The following is an entry in ClinVar:

ClinVar aggregate classification (germline): Likely pathogenic (1 of 4 stars; one submission).

Conditions:
Congenital dyserythropoietic anemia, type II (CDAN2). Also called: DYSERYTHROPOIETIC ANEMIA, HEMPAS TYPE. Identifiers: Orphanet 98873, MedGen C1306589, MONDO:0009134, OMIM 224100.

gnomAD v4.1: 4 of 1,597,590 alleles (0.00025%); highest among the groups gnomAD compares: Non-Finnish European, 0.00034%; no homozygotes.

Submission:

Victorian Clinical Genetics Services, Murdoch Childrens Research Institute
Classification: Likely pathogenic for Congenital dyserythropoietic anemia, type II. Last evaluated: 2025-08-20. Review status: criteria provided, single submitter. Criteria: ACMG Guidelines, 2015. Collection method: clinical testing. Allele origin: germline. Affected: yes.
Comment: This variant is classified as Likely pathogenic. Evidence in support of pathogenic classification: Canonical splice site variant without proven consequence on splicing (no functional evidence available); Variant is present in gnomAD <0.01 for a recessive condition (v4: 4 heterozygote(s), 0 homozygote(s)); This variant has limited previous evidence of pathogenicity in an unrelated individual. This variant has been reported in the literature in one individual with congenital dyserythropoietic anaemia type II, and shown to be compound heterozygous with a p.(Arg18His) variant (PMID: 25044164); Abnormal splicing is predicted by in silico tool and affected nucleotide is highly conserved. Additional information: This variant is heterozygous; This gene is associated with autosomal recessive disease; No published evidence of segregation with disease has been identified for this variant; No published functional evidence has been identified for this variant; No comparable splice site variants have previous evidence for pathogenicity; Loss of function is a known mechanism of disease in this gene and is associated with congenital dyserythropoietic anaemia type II (CDA; MIM#224100); Heterozygous variant detected in trans with a second LIKELY PATHOGENIC heterozygous variant (NM_006363.6(SEC23B):c.1043A>G; p.(Asp348Gly)) in a recessive disease.

Literature cited by the submitters: PubMed 25044164.

NM_006363.6(SEC23B):c.1906-2A>T

Gene: SEC23B (SEC23 homolog B, COPII component; plus strand). Cytogenetic location: 20p11.23.
Variant type: single nucleotide variant.
Coding change: c.1906-2A>T on transcript NM_006363.6 (MANE Select); the canonical splice acceptor site of the intron before coding-DNA position 1906, A replaced by T.
Molecular consequence: splice acceptor variant.
Genome position (GRCh38, 1-based): chr20:18,551,087, A>T. VCF-style: chr20-18551087-A-T. GRCh37 (hg19) VCF-style: chr20-18531731-A-T.
Other names: c.1906-2A>T (NM_032986.5, NM_001172745.3, NM_032985.6); c.1852-2A>T (NM_001172746.3).
Identifiers: ClinVar variation 4531745 (VCV004531745.1).